The following is an entry in ClinVar:

NM_005228.5(EGFR):c.2833A>G (p.Met945Val)

Gene: EGFR (epidermal growth factor receptor; plus strand). Cytogenetic location: 7p11.2.
Variant type: single nucleotide variant.
Coding change: c.2833A>G on transcript NM_005228.5 (MANE Select); coding-DNA position 2833, A replaced by G.
Protein change: p.Met945Val; replaces methionine 945 with valine.
Molecular consequence: missense variant.
Genome position (GRCh38, 1-based): chr7:55,198,848, A>G. VCF-style: chr7-55198848-A-G. GRCh37 (hg19) VCF-style: chr7-55266541-A-G.
Other names: c.2698A>G, p.Met900Val (NM_001346897.2, NM_001346899.2); c.2833A>G, p.Met945Val (NM_001346898.2); c.2833A>G (NM_005228.3); c.2674A>G, p.Met892Val (NM_001346900.2); c.2032A>G, p.Met678Val (NM_001346941.2); short protein forms M678V, M892V, M900V, M945V.
Identifiers: ClinVar variation 1004032 (VCV001004032.9), dbSNP rs779164024, ClinGen allele CA4266182.

ClinVar aggregate classification (germline): Uncertain significance. Review status: criteria provided, multiple submitters, no conflicts (2 of 4 stars). 2 submissions from 2 submitters: Uncertain significance (2). Last evaluated 2025-06-14.

Conditions:
Hereditary cancer-predisposing syndrome. Also called: Hereditary neoplastic syndrome; Neoplastic Syndromes, Hereditary; Tumor predisposition; Hereditary Cancer Syndrome. Identifiers: Orphanet 140162, MedGen C0027672, MeSH D009386, MONDO:0015356.
EGFR-related lung cancer (EGFR). Identifiers: MedGen CN130014.

Allele frequency attached by ClinVar (database versions not stated): gnomAD exomes 0.00001; ExAC 0.00002.
gnomAD v4.1: 5 of 1,614,192 alleles (0.00031%); highest among the groups gnomAD compares: Non-Finnish European, 0.00034%; no homozygotes.

Submissions (2):

Ambry Genetics
Classification: Uncertain significance for Hereditary cancer-predisposing syndrome. Last evaluated: 2025-06-14. Review status: criteria provided, single submitter. Criteria: Ambry Variant Classification Scheme 2023. Collection method: clinical testing. Allele origin: germline.
Comment: The p.M945V variant (also known as c.2833A>G), located in coding exon 23 of the EGFR gene, results from an A to G substitution at nucleotide position 2833. The methionine at codon 945 is replaced by valine, an amino acid with highly similar properties. This amino acid position is conserved. In addition, the in silico prediction for this alteration is inconclusive. Based on the available evidence, the clinical significance of this variant remains unclear.

Labcorp Genetics (formerly Invitae), Labcorp
Classification: Uncertain significance for EGFR-related lung cancer. Last evaluated: 2023-11-21. Review status: criteria provided, single submitter. Criteria: Invitae Variant Classification Sherloc (09022015). Collection method: clinical testing. Allele origin: germline.
Comment: This sequence change replaces methionine, which is neutral and non-polar, with valine, which is neutral and non-polar, at codon 945 of the EGFR protein (p.Met945Val). This variant is present in population databases (rs779164024, gnomAD 0.002%). This variant has not been reported in the literature in individuals affected with EGFR-related conditions. ClinVar contains an entry for this variant (Variation ID: 1004032). Advanced modeling of protein sequence and biophysical properties (such as structural, functional, and spatial information, amino acid conservation, physicochemical variation, residue mobility, and thermodynamic stability) has been performed at Invitae for this missense variant, however the output from this modeling did not meet the statistical confidence thresholds required to predict the impact of this variant on EGFR protein function. In summary, the available evidence is currently insufficient to determine the role of this variant in disease. Therefore, it has been classified as a Variant of Uncertain Significance.